The following is an entry in ClinVar:

NM_000283.4(PDE6B):c.1532G>T (p.Cys511Phe)

Gene: PDE6B (phosphodiesterase 6B; plus strand). Cytogenetic location: 4p16.3.
Variant type: single nucleotide variant.
Coding change: c.1532G>T on transcript NM_000283.4 (MANE Select); coding-DNA position 1532, G replaced by T.
Protein change: p.Cys511Phe; replaces cysteine 511 with phenylalanine.
Molecular consequence: missense variant.
Genome position (GRCh38, 1-based): chr4:660,531, G>T. VCF-style: chr4-660531-G-T. GRCh37 (hg19) VCF-style: chr4-654320-G-T.
Other names: c.1532G>T, p.Cys511Phe (NM_001145291.2); c.695G>T, p.Cys232Phe (NM_001145292.2, NM_001350154.3, NM_001379246.1 and 1 more transcripts); c.377G>T, p.Cys126Phe (NM_001350155.3); short protein forms C511F, C126F, C232F.
Identifiers: ClinVar variation 2098225 (VCV002098225.4), dbSNP rs2474249763, ClinGen allele CA355916061.

ClinVar aggregate classification (germline): Uncertain significance (1 of 4 stars; one submission).

gnomAD v4.1: 2 of 1,613,472 alleles (0.00012%); highest among the groups gnomAD compares: Non-Finnish European, 0.000085%; no homozygotes.

Submission:

Labcorp Genetics (formerly Invitae), Labcorp
Classification: Uncertain significance. Last evaluated: 2022-08-06. Review status: criteria provided, single submitter. Criteria: Invitae Variant Classification Sherloc (09022015). Collection method: clinical testing. Allele origin: germline.
Comment: This sequence change replaces cysteine, which is neutral and slightly polar, with phenylalanine, which is neutral and non-polar, at codon 511 of the PDE6B protein (p.Cys511Phe). This variant is not present in population databases (gnomAD no frequency). This missense change has been observed in individual(s) with autosomal recessive retinitis pigmentosa (PMID: 33576794). Algorithms developed to predict the effect of missense changes on protein structure and function (SIFT, PolyPhen-2, Align-GVGD) all suggest that this variant is likely to be tolerated. In summary, the available evidence is currently insufficient to determine the role of this variant in disease. Therefore, it has been classified as a Variant of Uncertain Significance.

Literature cited by the submitters: PubMed 33576794.